The following is an entry in ClinVar:

ClinVar aggregate classification (germline): Conflicting classifications of pathogenicity. Review status: criteria provided, conflicting classifications (1 of 4 stars). 5 submissions from 1 submitter: Uncertain significance (3); Likely benign (2). Last evaluated 2018-01-12.

Conditions:
Sulfate transporter-related osteochondrodysplasia. Also called: DTDST-related dysplasias. Identifiers: MedGen CN120497. Disease mechanism: loss of function.
Achondrogenesis, type IB (ACG1B). Also called: Achondrogenesis Type 1B. Identifiers: Orphanet 932, Orphanet 93298, MedGen C0265274, MONDO:0010966, OMIM 600972.
Atelosteogenesis type II (AO2). Also called: NEONATAL OSSEOUS DYSPLASIA I; Neonatal osseous dysplasia 1; SLC26A2-Related Atelosteogenesis. Identifiers: Orphanet 56304, MedGen C1850554, MONDO:0009727, OMIM 256050.
Multiple epiphyseal dysplasia type 4 (EDM4). Also called: MULTIPLE EPIPHYSEAL DYSPLASIA WITH BILAYERED PATELLAE; MULTIPLE EPIPHYSEAL DYSPLASIA WITH CLUBFOOT; MULTIPLE EPIPHYSEAL DYSPLASIA, AUTOSOMAL RECESSIVE; SLC26A2-Related Multiple Epiphyseal Dysplasia; Multiple Epiphyseal Dysplasia, Recessive. Identifiers: Orphanet 93307, MedGen C1847593, MONDO:0009189, OMIM 226900.
Diastrophic dysplasia (DTD). Also called: Diastrophic dwarfism. Identifiers: Orphanet 628, MedGen C0220726, MONDO:0009107, OMIM 222600.

Allele frequency attached by ClinVar (database versions not stated): gnomAD 0.00139 and 0.00148; TOPMed 0.00159; 1000 Genomes Project 30x 0.00172; 1000 Genomes Project 0.00180.

Submissions (5):

Illumina Laboratory Services, Illumina
Classification: Likely benign for Atelosteogenesis type II. Last evaluated: 2018-01-12. Review status: criteria provided, single submitter. Criteria: ICSL Variant Classification Criteria 13 December 2019. Collection method: clinical testing. Allele origin: germline.
Comment: This variant was observed in the ICSL laboratory as part of a predisposition screen in an ostensibly healthy population. It had not been previously curated by ICSL or reported in the Human Gene Mutation Database (HGMD: prior to June 1st, 2018), and was therefore a candidate for classification through an automated scoring system. Utilizing variant allele frequency, disease prevalence and penetrance estimates, and inheritance mode, an automated score was calculated to assess if this variant is too frequent to cause the disease. Based on the score and internal cut-off values, a variant classified as likely benign is not then subjected to further curation. The score for this variant resulted in a classification of likely benign for this disease.

Illumina Laboratory Services, Illumina
Classification: Uncertain significance for Multiple epiphyseal dysplasia type 4. Last evaluated: 2018-01-12. Review status: criteria provided, single submitter. Criteria: ICSL Variant Classification Criteria 13 December 2019. Collection method: clinical testing. Allele origin: germline.

Illumina Laboratory Services, Illumina
Classification: Likely benign for Achondrogenesis, type IB. Last evaluated: 2018-01-12. Review status: criteria provided, single submitter. Criteria: ICSL Variant Classification Criteria 13 December 2019. Collection method: clinical testing. Allele origin: germline.
Comment: the same text as in the submission from Illumina Laboratory Services, Illumina above.

Illumina Laboratory Services, Illumina
Classification: Uncertain significance for Osteochondrodysplasia. Last evaluated: 2018-01-12. Review status: criteria provided, single submitter. Criteria: ICSL Variant Classification Criteria 13 December 2019. Collection method: clinical testing. Allele origin: germline.

Illumina Laboratory Services, Illumina
Classification: Uncertain significance for Diastrophic dysplasia. Last evaluated: 2018-01-12. Review status: criteria provided, single submitter. Criteria: ICSL Variant Classification Criteria 13 December 2019. Collection method: clinical testing. Allele origin: germline.

NM_000112.4(SLC26A2):c.*1970G>T

Gene: SLC26A2 (solute carrier family 26 member 2; plus strand). Cytogenetic location: 5q32.
Variant type: single nucleotide variant.
Coding change: c.*1970G>T on transcript NM_000112.4 (MANE Select); 1970 bases downstream of the stop codon, G replaced by T.
Molecular consequence: 3 prime UTR variant.
Genome position (GRCh38, 1-based): chr5:149,983,783, G>T. VCF-style: chr5-149983783-G-T. GRCh37 (hg19) VCF-style: chr5-149363346-G-T.
Identifiers: ClinVar variation 352055 (VCV000352055.5), dbSNP rs147208348, ClinGen allele CA10623616.